The following is an entry in ClinVar:

NM_001261826.3(AP3D1):c.895G>T (p.Ala299Ser)

Gene: AP3D1 (adaptor related protein complex 3 subunit delta 1; minus strand). Cytogenetic location: 19p13.3.
Variant type: single nucleotide variant.
Coding change: c.895G>T on transcript NM_001261826.3 (MANE Select); coding-DNA position 895, G replaced by T.
Protein change: p.Ala299Ser; replaces alanine 299 with serine.
Molecular consequence: missense variant.
Genome position (GRCh38, 1-based): chr19:2,123,841, C>A on the plus strand (G>T on the coding strand, the complement: AP3D1 is on the minus strand). VCF-style: chr19-2123841-C-A. GRCh37 (hg19) VCF-style: chr19-2123840-C-A.
Other names: c.895G>T, p.Ala299Ser (NM_001374799.1, NM_003938.8); short protein forms A299S.
Identifiers: ClinVar variation 3625002 (VCV003625002.2).

ClinVar aggregate classification (germline): Uncertain significance (1 of 4 stars; one submission).

gnomAD v4.1: 2 of 1,575,888 alleles (0.00013%); highest among the groups gnomAD compares: Non-Finnish European, 0.00017%; no homozygotes.

Submission:

Labcorp Genetics (formerly Invitae), Labcorp
Classification: Uncertain significance. Last evaluated: 2024-03-21. Review status: criteria provided, single submitter. Criteria: Invitae Variant Classification Sherloc (09022015). Collection method: clinical testing. Allele origin: germline.
Comment: This sequence change replaces alanine, which is neutral and non-polar, with serine, which is neutral and polar, at codon 299 of the AP3D1 protein (p.Ala299Ser). The frequency data for this variant in the population databases is considered unreliable, as metrics indicate poor data quality at this position in the gnomAD database. This variant has not been reported in the literature in individuals affected with AP3D1-related conditions. An algorithm developed to predict the effect of missense changes on protein structure and function (PolyPhen-2) suggests that this variant is likely to be tolerated. In summary, the available evidence is currently insufficient to determine the role of this variant in disease. Therefore, it has been classified as a Variant of Uncertain Significance.